The following is an entry in ClinVar:

ClinVar aggregate classification (germline): Uncertain significance. Review status: criteria provided, multiple submitters, no conflicts (2 of 4 stars). 3 submissions from 3 submitters: Uncertain significance (3). Last evaluated 2025-10-01.

Allele frequency attached by ClinVar (database versions not stated): gnomAD 0.00001; TOPMed 0.00001.

Submissions (3):

Women's Health and Genetics/Laboratory Corporation of America, LabCorp
Classification: Uncertain significance. Last evaluated: 2025-10-01. Review status: criteria provided, single submitter. Criteria: LabCorp Variant Classification Summary - May 2015. Collection method: clinical testing. Allele origin: germline.
Comment: Variant summary: AEBP1 c.2101G>C (p.Asp701His) results in a non-conservative amino acid change in the encoded protein sequence. Algorithms developed to predict the effect of missense changes on protein structure and function are either unavailable or do not agree on the potential impact of this missense change. The variant allele was found at a frequency of 4e-06 in 250722 control chromosomes. The available data on variant occurrences in the general population are insufficient to allow any conclusion about variant significance. To our knowledge, no occurrence of c.2101G>C in individuals affected with AEBP1-related conditions and no experimental evidence demonstrating its impact on protein function have been reported. ClinVar contains an entry for this variant (Variation ID: 1979747). Based on the evidence outlined above, the variant was classified as uncertain significance.

GeneDx
Classification: Uncertain significance. Last evaluated: 2025-07-08. Review status: criteria provided, single submitter. Criteria: GeneDx Variant Classification Process June 2021. Collection method: clinical testing. Allele origin: germline. Affected: yes.
Comment: Not observed at significant frequency in large population cohorts (gnomAD); In silico analysis suggests that this missense variant does not alter protein structure/function; Has not been previously published as pathogenic or benign to our knowledge

Labcorp Genetics (formerly Invitae), Labcorp
Classification: Uncertain significance. Last evaluated: 2022-04-20. Review status: criteria provided, single submitter. Criteria: Invitae Variant Classification Sherloc (09022015). Collection method: clinical testing. Allele origin: germline.
Comment: This sequence change replaces aspartic acid, which is acidic and polar, with histidine, which is basic and polar, at codon 701 of the AEBP1 protein (p.Asp701His). This variant is present in population databases (no rsID available, gnomAD 0.004%). This variant has not been reported in the literature in individuals affected with AEBP1-related conditions. Algorithms developed to predict the effect of missense changes on protein structure and function (SIFT, PolyPhen-2, Align-GVGD) all suggest that this variant is likely to be disruptive. Algorithms developed to predict the effect of sequence changes on RNA splicing suggest that this variant may disrupt the consensus splice site. In summary, the available evidence is currently insufficient to determine the role of this variant in disease. Therefore, it has been classified as a Variant of Uncertain Significance.

NM_001129.5(AEBP1):c.2101G>C (p.Asp701His)

Gene: AEBP1 (AE binding protein 1; plus strand). Cytogenetic location: 7p13.
Variant type: single nucleotide variant.
Coding change: c.2101G>C on transcript NM_001129.5 (MANE Select); coding-DNA position 2101, G replaced by C.
Protein change: p.Asp701His; replaces aspartic acid 701 with histidine.
Molecular consequence: missense variant.
Genome position (GRCh38, 1-based): chr7:44,112,205, G>C. VCF-style: chr7-44112205-G-C. GRCh37 (hg19) VCF-style: chr7-44151804-G-C.
Other names: c.2101G>C (NM_001129.4); short protein forms D701H.
Identifiers: ClinVar variation 1979747 (VCV001979747.3), dbSNP rs1259084830, ClinGen allele CA367368328.